The following is an entry in ClinVar:

NM_000398.7(CYB5R3):c.226+9C>T

Gene: CYB5R3 (cytochrome b5 reductase 3; minus strand). Cytogenetic location: 22q13.2.
Variant type: single nucleotide variant.
Coding change: c.226+9C>T on transcript NM_000398.7 (MANE Select); 9 bases into the intron after coding-DNA position 226, C replaced by T.
Molecular consequence: intron variant.
Genome position (GRCh38, 1-based): chr22:42,631,369, G>A on the plus strand (C>T on the coding strand, the complement: CYB5R3 is on the minus strand). VCF-style: chr22-42631369-G-A. GRCh37 (hg19) VCF-style: chr22-43027375-G-A.
Other names: c.157+9C>T (NM_007326.4, NM_001171661.1, NM_001129819.2); c.325+9C>T (NM_001171660.2); c.226+9C>T (NM_000398.6).
Identifiers: ClinVar variation 1902138 (VCV001902138.7), dbSNP rs771455316, ClinGen allele CA10269868.

ClinVar aggregate classification (germline): Likely benign. Review status: criteria provided, single submitter (1 of 4 stars). 2 submissions from 2 submitters: Likely benign (1). 1 of the submissions does not count toward it. Last evaluated 2023-04-13.

Conditions:
CYB5R3-related disorder. Also called: CYB5R3-related condition.

Allele frequency attached by ClinVar (database versions not stated): ExAC 0.00005; gnomAD 0.00005; TOPMed 0.00005; gnomAD exomes 0.00008.
gnomAD v4.1: 122 of 1,551,226 alleles (0.0079%); highest among the groups gnomAD compares: Non-Finnish European, 0.01%; no homozygotes.

Submissions (2):

Labcorp Genetics (formerly Invitae), Labcorp
Classification: Likely benign. Last evaluated: 2023-04-13. Review status: criteria provided, single submitter. Criteria: Invitae Variant Classification Sherloc (09022015). Collection method: clinical testing. Allele origin: germline.

PreventionGenetics, part of Exact Sciences
Classification: Likely benign for CYB5R3-related condition. Last evaluated: 2019-06-12. Review status: no assertion criteria provided. Collection method: clinical testing. Allele origin: germline. Not counted in ClinVar's aggregate classification.
Comment: This variant is classified as likely benign based on ACMG/AMP sequence variant interpretation guidelines (Richards et al. 2015 PMID: 25741868, with internal and published modifications).